The following is an entry in ClinVar:

NM_001385125.1(OPN1SW):c.187C>T (p.Arg63Trp)

Gene: OPN1SW (opsin 1, short wave sensitive; minus strand). Cytogenetic location: 7q32.1.
Variant type: single nucleotide variant.
Coding change: c.187C>T on transcript NM_001385125.1 (MANE Select); coding-DNA position 187, C replaced by T.
Protein change: p.Arg63Trp; replaces arginine 63 with tryptophan.
Molecular consequence: missense variant.
Genome position (GRCh38, 1-based): chr7:128,775,595, G>A on the plus strand (C>T on the coding strand, the complement: OPN1SW is on the minus strand). VCF-style: chr7-128775595-G-A. GRCh37 (hg19) VCF-style: chr7-128415649-G-A.
Other names: short protein forms R63W.
Identifiers: ClinVar variation 1015712 (VCV001015712.6), dbSNP rs373496991, ClinGen allele CA4473038.

ClinVar aggregate classification (germline): Uncertain significance (1 of 4 stars; one submission).

Allele frequency attached by ClinVar (database versions not stated): ExAC 0.00002; gnomAD exomes 0.00003; TOPMed 0.00003; gnomAD 0.00004; ESP Exome Variant Server 0.00008.

Submission:

Labcorp Genetics (formerly Invitae), Labcorp
Classification: Uncertain significance. Last evaluated: 2025-04-08. Review status: criteria provided, single submitter. Criteria: Invitae Variant Classification Sherloc (09022015). Collection method: clinical testing. Allele origin: germline.
Comment: This sequence change replaces arginine, which is basic and polar, with tryptophan, which is neutral and slightly polar, at codon 66 of the OPN1SW protein (p.Arg66Trp). This variant is present in population databases (rs373496991, gnomAD 0.006%). This variant has not been reported in the literature in individuals affected with OPN1SW-related conditions. ClinVar contains an entry for this variant (Variation ID: 1015712). An algorithm developed to predict the effect of missense changes on protein structure and function (PolyPhen-2) suggests that this variant is likely to be tolerated. In summary, the available evidence is currently insufficient to determine the role of this variant in disease. Therefore, it has been classified as a Variant of Uncertain Significance.